The following is an entry in ClinVar:

NM_144687.4(NLRP12):c.2932G>C (p.Asp978His)

Gene: NLRP12 (NLR family pyrin domain containing 12; minus strand). Cytogenetic location: 19q13.42.
Variant type: single nucleotide variant.
Coding change: c.2932G>C on transcript NM_144687.4 (MANE Select); coding-DNA position 2932, G replaced by C.
Protein change: p.Asp978His; replaces aspartic acid 978 with histidine.
Molecular consequence: missense variant.
Genome position (GRCh38, 1-based): chr19:53,796,025, C>G on the plus strand (G>C on the coding strand, the complement: NLRP12 is on the minus strand). VCF-style: chr19-53796025-C-G. GRCh37 (hg19) VCF-style: chr19-54299279-C-G.
Other names: c.2932G>C (NM_144687.2); c.2935G>C, p.Asp979His (NM_001277126.2); c.2761G>C, p.Asp921His (NM_001277129.1); short protein forms D921H, D978H, D979H.
Identifiers: ClinVar variation 838829 (VCV000838829.8), dbSNP rs560028610, ClinGen allele CA9638822.

ClinVar aggregate classification (germline): Uncertain significance. Review status: criteria provided, multiple submitters, no conflicts (2 of 4 stars). 2 submissions from 2 submitters: Uncertain significance (2). Last evaluated 2025-08-01.

Conditions:
Familial cold autoinflammatory syndrome 2 (FCAS2). Identifiers: Orphanet 247868, MedGen C2673198, MONDO:0012724, OMIM 611762.
Inborn genetic diseases. Identifiers: MedGen C0950123, MeSH D030342.

Allele frequency attached by ClinVar (database versions not stated): gnomAD 0.00001; ExAC 0.00002; gnomAD exomes 0.00002; TOPMed 0.00002; 1000 Genomes Project 30x 0.00016; 1000 Genomes Project 0.00020.
gnomAD v4.1: 21 of 1,614,104 alleles (0.0013%); highest among the groups gnomAD compares: Middle Eastern, 0.066%; no homozygotes.

Submissions (2):

Labcorp Genetics (formerly Invitae), Labcorp
Classification: Uncertain significance for Familial cold autoinflammatory syndrome 2. Last evaluated: 2025-08-01. Review status: criteria provided, single submitter. Criteria: Invitae Variant Classification Sherloc (09022015). Collection method: clinical testing. Allele origin: germline.
Comment: This sequence change replaces aspartic acid, which is acidic and polar, with histidine, which is basic and polar, at codon 978 of the NLRP12 protein (p.Asp978His). This variant is present in population databases (rs560028610, gnomAD 0.006%). This variant has not been reported in the literature in individuals affected with NLRP12-related conditions. ClinVar contains an entry for this variant (Variation ID: 838829). Experimental studies and prediction algorithms are not available or were not evaluated, and the functional significance of this variant is currently unknown. In summary, the available evidence is currently insufficient to determine the role of this variant in disease. Therefore, it has been classified as a Variant of Uncertain Significance.

Ambry Genetics
Classification: Uncertain significance for Inborn genetic diseases. Last evaluated: 2021-10-29. Review status: criteria provided, single submitter. Criteria: Ambry Variant Classification Scheme 2023. Collection method: clinical testing. Allele origin: germline.